The following is an entry in ClinVar:

NM_000368.5(TSC1):c.1582_1602del (p.Gly528_Glu534del)

Gene: TSC1 (TSC complex subunit 1; minus strand). Cytogenetic location: 9q34.13.
Variant type: Deletion.
Coding change: c.1582_1602del on transcript NM_000368.5 (MANE Select); coding-DNA positions 1582 to 1602, 21 bases deleted (GGCGCCAGCGTGAACCCTGAG).
Protein change: p.Gly528_Glu534del.
Molecular consequence: inframe deletion.
Genome position (GRCh38, 1-based): chr9:132,905,976-132,905,996, CTCAGGGTTCACGCTGGCGCC deleted on the plus strand (GGCGCCAGCGTGAACCCTGAG on the coding strand, the reverse complement: TSC1 is on the minus strand); deleting any 21 consecutive bases within chr9:132,905,976-132,905,998 gives the same sequence; the c. name uses the placement nearest the transcript's 3' end. VCF-style (leftmost placement, unchanged base first): chr9-132905975-GCTCAGGGTTCACGCTGGCGCC-G. GRCh37 (hg19) VCF-style: chr9-135781362-GCTCAGGGTTCACGCTGGCGCC-G.
Other names: c.1582_1602del21 (NM_000368.4); c.1582_1602delGGCGCCAGCGTGAACCCTGAG (NM_000368.4); c.1579_1599del, p.Gly527_Glu533del (NM_001162426.2); c.1429_1449del, p.Gly477_Glu483del (NM_001162427.2); c.1219_1239del, p.Gly407_Glu413del (NM_001362177.2).
Identifiers: ClinVar variation 466034 (VCV000466034.24), dbSNP rs766376606, ClinGen allele CA029090.

ClinVar aggregate classification (germline): Conflicting classifications of pathogenicity. Review status: criteria provided, conflicting classifications (1 of 4 stars). 5 submissions from 5 submitters: Uncertain significance (3); Likely benign (2). Last evaluated 2025-11-05.

Conditions:
Tuberous sclerosis 1 (TSC1). Identifiers: Orphanet 805, MedGen C1854465, MONDO:0008612, OMIM 191100.
Hereditary cancer-predisposing syndrome. Also called: Hereditary neoplastic syndrome; Neoplastic Syndromes, Hereditary; Tumor predisposition; Hereditary Cancer Syndrome. Identifiers: Orphanet 140162, MedGen C0027672, MeSH D009386, MONDO:0015356.
Tuberous sclerosis syndrome (TSC). Also called: Tuberous Sclerosis Complex; Tuberous sclerosis. Identifiers: Orphanet 805, MedGen C0041341, MONDO:0001734.

Submissions (5):

Labcorp Genetics (formerly Invitae), Labcorp
Classification: Likely benign for Tuberous sclerosis 1. Last evaluated: 2025-11-05. Review status: criteria provided, single submitter. Criteria: Invitae Variant Classification Sherloc (09022015). Collection method: clinical testing. Allele origin: germline.

All of Us Research Program, National Institutes of Health
Classification: Uncertain significance for Tuberous sclerosis syndrome. Last evaluated: 2024-05-30. Review status: criteria provided, single submitter. Criteria: ACMG Guidelines, 2015. Collection method: clinical testing. Allele origin: germline. Inheritance: Autosomal dominant inheritance. Observed: 2 variant alleles, 2 heterozygotes.
Comment: This variant causes an in-frame deletion of 7 amino acids at exon 17 of the TSC1 protein. To our knowledge, functional studies have not been reported for this variant. This variant has not been reported in individuals affected with TSC1-related disorders in the literature. This variant has been identified in 3/251370 chromosomes in the general population by the Genome Aggregation Database (gnomAD). The available evidence is insufficient to determine the role of this variant in disease conclusively. Therefore, this variant is classified as a Variant of Uncertain Significance.

This study involves interpretation of variants in research participants for the purpose of population health screening. Participant phenotype was not available at the time of variant classification. Additional details can be found in publication PMID: 35346344, PMCID: PMC8962531

GeneDx
Classification: Uncertain significance. Last evaluated: 2024-01-16. Review status: criteria provided, single submitter. Criteria: GeneDx Variant Classification Process June 2021. Collection method: clinical testing. Allele origin: germline. Affected: yes.
Comment: In-frame deletion of 7 amino acids in a non-repeat region; In silico analysis supports a deleterious effect on protein structure/function; Has not been previously published as pathogenic or benign to our knowledge

Ambry Genetics
Classification: Likely benign for Hereditary cancer-predisposing syndrome. Last evaluated: 2022-10-17. Review status: criteria provided, single submitter. Criteria: Ambry Variant Classification Scheme 2023. Collection method: clinical testing. Allele origin: germline.

Genome-Nilou Lab
Classification: Uncertain significance for Tuberous sclerosis 1. Last evaluated: 2021-11-07. Review status: criteria provided, single submitter. Criteria: ACMG Guidelines, 2015. Collection method: clinical testing. Allele origin: germline. Affected: no.